The following is an entry in ClinVar:

ClinVar aggregate classification (germline): Uncertain significance (1 of 4 stars; one submission).

Conditions:
Hereditary cancer-predisposing syndrome. Also called: Neoplastic Syndromes, Hereditary; Hereditary Cancer Syndrome; Hereditary neoplastic syndrome; Tumor predisposition. Identifiers: Orphanet 140162, MedGen C0027672, MeSH D009386, MONDO:0015356.

Submissions (2):

Ambry Genetics
Classification: Uncertain significance for Hereditary cancer-predisposing syndrome. Last evaluated: 2023-05-22. Review status: criteria provided, single submitter. Criteria: Ambry Variant Classification Scheme 2023. Collection method: clinical testing. Allele origin: germline.
Comment: The c.2543+1G>T intronic variant results from a G to T substitution one nucleotide after coding exon 18 of the MSH3 gene. Alterations that disrupt the canonical splice site are expected to cause aberrant splicing. In silico splice site analysis predicts that this alteration will weaken the native splice donor site. The resulting transcript is predicted to be in-frame and is not expected to trigger nonsense-mediated mRNA decay; however, direct evidence is unavailable. The exact functional effect of the altered amino acid sequence is unknown. This nucleotide position is highly conserved in available vertebrate species. Since supporting evidence is limited at this time, the clinical significance of this alteration remains unclear.

Dr. Peter K. Rogan Lab, Western University
No classification provided (evidence only). Condition: Uterine corpus endometrial carcinoma. Review status: no classification provided. Collection method: in vitro. Allele origin: not applicable. Functional consequence: retained intron. Not counted in ClinVar's aggregate classification.

NM_002439.5(MSH3):c.2543+1G>T

Gene: MSH3 (mutS homolog 3; plus strand). Cytogenetic location: 5q14.1.
Variant type: single nucleotide variant.
Coding change: c.2543+1G>T on transcript NM_002439.5 (MANE Select); the canonical splice donor site of the intron after coding-DNA position 2543, G replaced by T.
Molecular consequence: splice donor variant.
Genome position (GRCh38, 1-based): chr5:80,787,673, G>T. VCF-style: chr5-80787673-G-T. GRCh37 (hg19) VCF-style: chr5-80083492-G-T.
Other names: NC_000005.9:g.80083492G>T.
Identifiers: ClinVar variation 2565664 (VCV002565664.3), dbSNP rs758437568, ClinGen allele CA360283486.